The following is an entry in ClinVar:

ClinVar aggregate classification (germline): Uncertain significance. Review status: criteria provided, single submitter (1 of 4 stars). 3 submissions from 3 submitters: Uncertain significance (1). 2 of the submissions do not count toward it. Last evaluated 2023-12-07.

Conditions:
Mucopolysaccharidosis, MPS-III-C (MPS3C). Also called: MPS IIIC (Sanfilippo Syndrome Type C); MUCOPOLYSACCHARIDOSIS, TYPE IIIC; Mucopolysaccharidosis type IIIC (Sanfilippo C); mucopolysaccharidosis type 3C; SANFILIPPO SYNDROME C; MPS III C. Identifiers: Orphanet 581, Orphanet 79271, MedGen C0086649, MONDO:0009657, OMIM 252930.
Retinitis pigmentosa 73 (RP73). Identifiers: Orphanet 791, MedGen C4225287, MONDO:0014687, OMIM 616544.
Retinal dystrophy. Also called: Inherited retinal dystrophy. Identifiers: Orphanet 71862, MedGen C0854723, MeSH D058499, MONDO:0019118, HP:0000556.

Allele frequency attached by ClinVar (database versions not stated): TOPMed below 0.00001.
gnomAD v4.1: 6 of 1,608,334 alleles (0.00037%); highest among the groups gnomAD compares: Non-Finnish European, 0.00043%; no homozygotes.

Submissions (7):

Labcorp Genetics (formerly Invitae), Labcorp
Classification: Uncertain significance for Retinitis pigmentosa 73; Mucopolysaccharidosis, MPS-III-C. Last evaluated: 2023-12-07. Review status: criteria provided, single submitter. Criteria: Invitae Variant Classification Sherloc (09022015). Collection method: clinical testing. Allele origin: germline.
Comment: This sequence change affects codon 376 of the HGSNAT mRNA. It is a 'silent' change, meaning that it does not change the encoded amino acid sequence of the HGSNAT protein. This variant also falls at the last nucleotide of exon 11, which is part of the consensus splice site for this exon. This variant is not present in population databases (gnomAD no frequency). This variant has been observed in individual(s) with clinical features of retinal dystrophy (PMID: 32770643). ClinVar contains an entry for this variant (Variation ID: 1038452). Variants that disrupt the consensus splice site are a relatively common cause of aberrant splicing (PMID: 17576681, 9536098). Algorithms developed to predict the effect of sequence changes on RNA splicing suggest that this variant may disrupt the consensus splice site. In summary, the available evidence is currently insufficient to determine the role of this variant in disease. Therefore, it has been classified as a Variant of Uncertain Significance.

Natera, Inc.
Classification: Uncertain significance for Mucopolysaccharidosis type IIIC. Last evaluated: 2021-01-20. Review status: no assertion criteria provided. Collection method: clinical testing. Allele origin: germline. Not counted in ClinVar's aggregate classification.

Institute of Human Genetics, Univ. Regensburg, Univ. Regensburg
Classification: Uncertain significance for Retinal dystrophy. Last evaluated: 2019-01-01. Review status: no assertion criteria provided. Criteria: ACMG Guidelines, 2015. Collection method: clinical testing. Allele origin: germline. Affected: yes. Not counted in ClinVar's aggregate classification.

Dr. Peter K. Rogan Lab, Western University
No classification provided (evidence only). Condition: Malignant tumor of urinary bladder. Review status: no classification provided. Collection method: in vitro. Allele origin: not applicable. Functional consequence: retained intron. Not counted in ClinVar's aggregate classification.

Dr. Peter K. Rogan Lab, Western University
No classification provided (evidence only). Condition: Papillary renal cell carcinoma type 1. Review status: no classification provided. Collection method: in vitro. Allele origin: not applicable. Functional consequence: retained intron. Not counted in ClinVar's aggregate classification.

Dr. Peter K. Rogan Lab, Western University
No classification provided (evidence only). Condition: Papillary renal cell carcinoma type 1. Review status: no classification provided. Collection method: in vitro. Allele origin: not applicable. Functional consequence: retained intron. Not counted in ClinVar's aggregate classification.

Dr. Peter K. Rogan Lab, Western University
No classification provided (evidence only). Condition: Papillary renal cell carcinoma type 1. Review status: no classification provided. Collection method: in vitro. Allele origin: not applicable. Functional consequence: retained intron. Not counted in ClinVar's aggregate classification.

Literature cited by the submitters: PubMed 32770643 (cited by Labcorp Genetics (formerly Invitae), Labcorp); PubMed 17576681 (cited by Labcorp Genetics (formerly Invitae), Labcorp); PubMed 9536098 (cited by Labcorp Genetics (formerly Invitae), Labcorp).

NM_152419.3(HGSNAT):c.1128G>T (p.Ser376=)

Gene: HGSNAT (heparan-alpha-glucosaminide N-acetyltransferase; plus strand). Cytogenetic location: 8p11.21.
Variant type: single nucleotide variant.
Coding change: c.1128G>T on transcript NM_152419.3 (MANE Select); coding-DNA position 1128, G replaced by T.
Protein change: p.Ser376=; no amino-acid change (serine 376 retained).
Molecular consequence: synonymous variant.
Genome position (GRCh38, 1-based): chr8:43,182,260, G>T. VCF-style: chr8-43182260-G-T. GRCh37 (hg19) VCF-style: chr8-43037403-G-T.
Other names: c.1128G>T, p.Ser376= (NM_001363227.2); c.936G>T, p.Ser312= (NM_001363228.2); c.264G>T, p.Ser88= (NM_001363229.2).
Identifiers: ClinVar variation 1038452 (VCV001038452.8), dbSNP rs770462636, ClinGen allele CA460574954.